The following is an entry in ClinVar:

NM_000051.4(ATM):c.8144T>A (p.Leu2715His)

Genes: ATM (ATM serine/threonine kinase; plus strand), C11orf65 (chromosome 11 open reading frame 65; minus strand). Cytogenetic location: 11q22.3.
Variant type: single nucleotide variant.
Coding change: c.8144T>A on transcript NM_000051.4 (MANE Select); coding-DNA position 8144, T replaced by A.
Protein change: p.Leu2715His; replaces leucine 2715 with histidine.
Molecular consequence: missense variant. On other transcripts: intron variant (2).
Genome position (GRCh38, 1-based): chr11:108,335,102, T>A. VCF-style: chr11-108335102-T-A. GRCh37 (hg19) VCF-style: chr11-108205829-T-A.
Other names: c.8144T>A, p.Leu2715His (NM_001351834.2); c.641-26031A>T (NM_001330368.2); c.*38+118A>T (NM_001351110.2); short protein forms L2715H.
Identifiers: ClinVar variation 4169066 (VCV004169066.1).

ClinVar aggregate classification (germline): Uncertain significance (1 of 4 stars; one submission).

Conditions:
Hereditary cancer-predisposing syndrome. Also called: Neoplastic Syndromes, Hereditary; Tumor predisposition; Hereditary neoplastic syndrome; Hereditary Cancer Syndrome. Identifiers: Orphanet 140162, MedGen C0027672, MeSH D009386, MONDO:0015356.

Submission:

Ambry Genetics
Classification: Uncertain significance for Hereditary cancer-predisposing syndrome. Last evaluated: 2025-07-02. Review status: criteria provided, single submitter. Criteria: Ambry Variant Classification Scheme 2023. Collection method: clinical testing. Allele origin: germline.
Comment: The p.L2715H variant (also known as c.8144T>A), located in coding exon 54 of the ATM gene, results from a T to A substitution at nucleotide position 8144. The leucine at codon 2715 is replaced by histidine, an amino acid with similar properties. This amino acid position is conserved. In addition, this alteration is predicted to be deleterious by in silico analysis. Based on the available evidence, the clinical significance of this variant remains unclear.